The following is an entry in ClinVar:

ClinVar aggregate classification (germline): Likely pathogenic (1 of 4 stars; one submission).

Conditions:
Fanconi anemia complementation group G. Also called: FANCG-Related Fanconi Anemia; Fanconi anemia group G. Identifiers: Orphanet 84, MedGen C3469527, MONDO:0013565, OMIM 614082.

Submission:

Natera, Inc.
Classification: Likely pathogenic for Fanconi anemia group G. Last evaluated: 2024-09-20. Review status: criteria provided, single submitter. Criteria: Natera Variant Classification Schema (03/2026). Collection method: clinical testing. Allele origin: germline.
Comment: The c.1393C>T variant in FANCG is a nonsense variant predicted to introduce a stop codon at amino acid 465. This variant is expected to result in nonsense mediated decay, truncation, or a dysfunctional protein product. This variant is rare in the general population with a frequency below the threshold expected for the associated phenotype(s). Given the available evidence, this variant is classified as Likely Pathogenic.

NM_004629.2(FANCG):c.1393C>T (p.Gln465Ter)

Gene: FANCG (FA complementation group G; minus strand). Cytogenetic location: 9p13.3.
Variant type: single nucleotide variant.
Coding change: c.1393C>T on transcript NM_004629.2 (MANE Select); coding-DNA position 1393, C replaced by T.
Protein change: p.Gln465Ter; replaces glutamine 465 with a stop codon.
Molecular consequence: nonsense.
Genome position (GRCh38, 1-based): chr9:35,075,505, G>A on the plus strand (C>T on the coding strand, the complement: FANCG is on the minus strand). VCF-style: chr9-35075505-G-A. GRCh37 (hg19) VCF-style: chr9-35075502-G-A.
Other names: short protein forms Q465*.
Identifiers: ClinVar variation 4815367 (VCV004815367.1).
Genomic context (GRCh38, chr9:35,075,505, plus strand): 5'-CTCTAGGACCCCGGGCTCACCTGCTAAATTCACTAATTGCCACTTTTTGGGCACCCAGTT[G>A]AACCCAGGCCTGGCCCTGAAGCAGGTGGGTGGCAGAGACCCAGAGTGGGCAGTATGGCAG-3'